The following is an entry in ClinVar:

NM_003041.4(SLC5A2):c.1409T>A (p.Val470Asp)

Gene: SLC5A2 (solute carrier family 5 member 2; plus strand). Cytogenetic location: 16p11.2.
Variant type: single nucleotide variant.
Coding change: c.1409T>A on transcript NM_003041.4 (MANE Select); coding-DNA position 1409, T replaced by A.
Protein change: p.Val470Asp; replaces valine 470 with aspartic acid.
Molecular consequence: missense variant.
Genome position (GRCh38, 1-based): chr16:31,489,008, T>A. VCF-style: chr16-31489008-T-A. GRCh37 (hg19) VCF-style: chr16-31500329-T-A.
Other names: short protein forms V470D.
Identifiers: ClinVar variation 3049503 (VCV003049503.2), dbSNP rs139661242, ClinGen allele CA395755286.
Genomic context (GRCh38, chr16:31,489,008, plus strand): 5'-GGCAGCTCTTCGATTACATCCAGGCAGTCTCTAGCTACCTGGCACCGCCCGTGTCCGCCG[T>A]CTTCGTGCTGGCGCTCTTCGTGCCGCGCGTTAATGAGCAGGTGAGCGGCACGCGCGTGGT-3'
Protein context (NP_003032.1, residues 460-480): SSYLAPPVSA[Val470Asp]FVLALFVPRV

ClinVar aggregate classification (germline): Uncertain significance (0 of 4 stars; one submission).

Conditions:
SLC5A2-related disorder. Also called: SLC5A2-related condition.

gnomAD v4.1: 1 of 1,600,576 alleles (0.000062%); highest among the groups gnomAD compares: Admixed American, 0.0017%; no homozygotes.

Submission:

PreventionGenetics, part of Exact Sciences
Classification: Uncertain significance for SLC5A2-related condition. Last evaluated: 2023-11-14. Review status: no assertion criteria provided. Collection method: clinical testing. Allele origin: germline.
Comment: The SLC5A2 c.1409T>A variant is predicted to result in the amino acid substitution p.Val470Asp. To our knowledge, this variant has not been reported in the literature or in a large population database, indicating this variant is rare. At this time, the clinical significance of this variant is uncertain due to the absence of conclusive functional and genetic evidence.